The following is an entry in ClinVar:

ClinVar aggregate classification (germline): Likely benign. Review status: reviewed by expert panel (3 of 4 stars). 8 submissions from 8 submitters: Likely benign (1). 7 of the submissions do not count toward it. Last evaluated 2017-06-29.

Conditions:
Hereditary cancer-predisposing syndrome. Also called: Hereditary neoplastic syndrome; Tumor predisposition; Neoplastic Syndromes, Hereditary; Hereditary Cancer Syndrome. Identifiers: Orphanet 140162, MedGen C0027672, MeSH D009386, MONDO:0015356.
Hereditary breast ovarian cancer syndrome. Also called: Breast and ovarian cancer; Hereditary breast and ovarian cancer syndrome; Hereditary breast and ovarian cancer; Hereditary breast and/or ovarian cancer syndrome; Hereditary breast and ovarian cancer syndrome (HBOC); BRCA1- and BRCA2-Associated Hereditary Breast and Ovarian Cancer. Identifiers: Orphanet 145, MedGen C0677776, MeSH D061325, MONDO:0003582. Disease mechanism: loss of function.
Breast-ovarian cancer, familial, susceptibility to, 2 (BROVCA2). Also called: BRCA2 Hereditary Breast and Ovarian Cancer. Identifiers: Orphanet 145, MedGen C2675520, MONDO:0012933, OMIM 612555. Disease mechanism: loss of function.

Allele frequency attached by ClinVar (database versions not stated): gnomAD exomes 0.00001 and 0.00002; ExAC 0.00002.
gnomAD v4.1: 5 of 1,613,012 alleles (0.00031%); highest among the groups gnomAD compares: Admixed American, 0.005%; no homozygotes.

Submissions (8):

Evidence-based Network for the Interpretation of Germline Mutant Alleles (ENIGMA)
Classification: Likely benign for Breast-ovarian cancer, familial, susceptibility to, 2. Last evaluated: 2017-06-29. Review status: reviewed by expert panel. Criteria: ENIGMA BRCA1/2 Classification Criteria (2017-06-29). Collection method: curation. Allele origin: germline.
Comment: Synonymous substitution variant, with low bioinformatic likelihood to result in a splicing aberration (Splicing prior probability 0.02).

Labcorp Genetics (formerly Invitae), Labcorp
Classification: Likely benign for Hereditary breast ovarian cancer syndrome. Last evaluated: 2025-10-06. Review status: criteria provided, single submitter. Criteria: Invitae Variant Classification Sherloc (09022015). Collection method: clinical testing. Allele origin: germline. Not counted in ClinVar's aggregate classification.

All of Us Research Program, National Institutes of Health
Classification: Likely benign for Breast-ovarian cancer, familial, susceptibility to, 2. Last evaluated: 2023-04-10. Review status: criteria provided, single submitter. Criteria: ACMG Guidelines, 2015. Collection method: clinical testing. Allele origin: germline. Inheritance: Autosomal dominant inheritance. Observed: 1 variant allele, 1 heterozygote. Not counted in ClinVar's aggregate classification.
Comment: This study involves interpretation of variants in research participants for the purpose of population health screening. Participant phenotype was not available at the time of variant classification. Additional details can be found in publication PMID: 35346344, PMCID: PMC8962531

Quest Diagnostics Nichols Institute San Juan Capistrano
Classification: Likely benign. Last evaluated: 2023-01-05. Review status: criteria provided, single submitter. Criteria: Quest Diagnostics criteria. Collection method: clinical testing. Allele origin: unknown. Not counted in ClinVar's aggregate classification.

Sema4
Classification: Likely benign for Hereditary cancer-predisposing syndrome. Last evaluated: 2021-04-19. Review status: criteria provided, single submitter. Criteria: Sema4 Curation Guidelines. Collection method: curation. Allele origin: germline. Not counted in ClinVar's aggregate classification.

Color Diagnostics, LLC DBA Color Health
Classification: Likely benign for Hereditary cancer-predisposing syndrome. Last evaluated: 2020-12-03. Review status: criteria provided, single submitter. Criteria: ACMG Guidelines, 2015. Collection method: clinical testing. Allele origin: germline. Not counted in ClinVar's aggregate classification.

GeneDx
Classification: Likely benign. Last evaluated: 2016-05-26. Review status: criteria provided, single submitter. Criteria: GeneDx Variant Classification (06012015). Collection method: clinical testing. Allele origin: germline. Affected: yes. Not counted in ClinVar's aggregate classification.
Comment: This variant is considered likely benign or benign based on one or more of the following criteria: it is a conservative change, it occurs at a poorly conserved position in the protein, it is predicted to be benign by multiple in silico algorithms, and/or has population frequency not consistent with disease.

Ambry Genetics
Classification: Likely benign for Hereditary cancer-predisposing syndrome. Last evaluated: 2016-02-12. Review status: criteria provided, single submitter. Criteria: Ambry Variant Classification Scheme 2023. Collection method: clinical testing. Allele origin: germline. Not counted in ClinVar's aggregate classification.

NM_000059.4(BRCA2):c.3078G>A (p.Lys1026=)

Gene: BRCA2 (BRCA2 DNA repair associated; plus strand). Cytogenetic location: 13q13.1.
Variant type: single nucleotide variant.
Coding change: c.3078G>A on transcript NM_000059.4 (MANE Select); coding-DNA position 3078, G replaced by A.
Protein change: p.Lys1026=; no amino-acid change (lysine 1026 retained).
Molecular consequence: synonymous variant.
Genome position (GRCh38, 1-based): chr13:32,337,433, G>A. VCF-style: chr13-32337433-G-A. GRCh37 (hg19) VCF-style: chr13-32911570-G-A.
Identifiers: ClinVar variation 383552 (VCV000383552.21), dbSNP rs762692063, ClinGen allele CA6940662.